The following is an entry in ClinVar:

NM_020631.6(PLEKHG5):c.562C>A (p.Gln188Lys)

Gene: PLEKHG5 (pleckstrin homology and RhoGEF domain containing G5; minus strand). Cytogenetic location: 1p36.31.
Variant type: single nucleotide variant.
Coding change: c.562C>A on transcript NM_020631.6 (MANE Select); coding-DNA position 562, C replaced by A.
Protein change: p.Gln188Lys; replaces glutamine 188 with lysine.
Molecular consequence: missense variant.
Genome position (GRCh38, 1-based): chr1:6,474,042, G>T on the plus strand (C>A on the coding strand, the complement: PLEKHG5 is on the minus strand). VCF-style: chr1-6474042-G-T. GRCh37 (hg19) VCF-style: chr1-6534102-G-T.
Other names: c.562C>A, p.Gln188Lys (NM_198681.4, NM_001042664.2, NM_001042665.2 and 1 more transcripts); c.673C>A, p.Gln225Lys (NM_001042663.3, NM_001265592.2); c.769C>A, p.Gln257Lys (NM_001265593.2); c.562C>A (NM_020631.4); short protein forms Q188K, Q225K, Q257K.
Identifiers: ClinVar variation 1910302 (VCV001910302.3), dbSNP rs1177680415, ClinGen allele CA338138481.

ClinVar aggregate classification (germline): Uncertain significance. Review status: criteria provided, multiple submitters, no conflicts (2 of 4 stars). 2 submissions from 2 submitters: Uncertain significance (2). Last evaluated 2026-07-13.

Conditions:
PLEKHG5-related disorder. Also called: PLEKHG5-related condition.
Neuronopathy, distal hereditary motor, autosomal recessive 4. Also called: NEUROPATHY, DISTAL HEREDITARY MOTOR, AUTOSOMAL RECESSIVE 4; Autosomal recessive lower motor neuron disease with childhood onset. Identifiers: Orphanet 206580, MedGen C1970211, MONDO:0012608, OMIM 611067.
Charcot-Marie-Tooth disease recessive intermediate C. Also called: CHARCOT-MARIE-TOOTH NEUROPATHY, RECESSIVE INTERMEDIATE C. Identifiers: Orphanet 369867, MedGen C3809309, MONDO:0014154, OMIM 615376.

Allele frequency attached by ClinVar (database versions not stated): TOPMed below 0.00001; gnomAD 0.00001; gnomAD exomes 0.00001.
gnomAD v4.1: 22 of 1,609,158 alleles (0.0014%); highest among the groups gnomAD compares: Non-Finnish European, 0.0018%; no homozygotes.

Submissions (2):

PreventionGenetics, part of Exact Sciences
Classification: Uncertain significance for PLEKHG5-related condition. Last evaluated: 2026-07-13. Review status: criteria provided, single submitter. Criteria: ACMG Guidelines, 2015. Collection method: clinical testing. Allele origin: germline.
Comment: The PLEKHG5 c.562C>A variant is predicted to result in the amino acid substitution p.Gln188Lys. To our knowledge, this variant has not been reported in the literature. This variant is reported in 0.012% of alleles in individuals of African descent in gnomAD. At this time, the clinical significance of this variant is uncertain due to the absence of conclusive functional and genetic evidence.

Labcorp Genetics (formerly Invitae), Labcorp
Classification: Uncertain significance for Neuronopathy, distal hereditary motor, autosomal recessive 4; Charcot-Marie-Tooth disease recessive intermediate C. Last evaluated: 2021-12-11. Review status: criteria provided, single submitter. Criteria: Invitae Variant Classification Sherloc (09022015). Collection method: clinical testing. Allele origin: germline.
Comment: This sequence change replaces glutamine, which is neutral and polar, with lysine, which is basic and polar, at codon 188 of the PLEKHG5 protein (p.Gln188Lys). This variant is present in population databases (no rsID available, gnomAD 0.01%). This variant has not been reported in the literature in individuals affected with PLEKHG5-related conditions. Algorithms developed to predict the effect of missense changes on protein structure and function (SIFT, PolyPhen-2, Align-GVGD) all suggest that this variant is likely to be tolerated. In summary, the available evidence is currently insufficient to determine the role of this variant in disease. Therefore, it has been classified as a Variant of Uncertain Significance.